The following is an entry in ClinVar:

NM_001204.7(BMPR2):c.1576C>A (p.Gln526Lys)

Gene: BMPR2 (bone morphogenetic protein receptor type 2; plus strand). Cytogenetic location: 2q33.2.
Variant type: single nucleotide variant.
Coding change: c.1576C>A on transcript NM_001204.7 (MANE Select); coding-DNA position 1576, C replaced by A.
Protein change: p.Gln526Lys; replaces glutamine 526 with lysine.
Molecular consequence: missense variant.
Genome position (GRCh38, 1-based): chr2:202,552,878, C>A. VCF-style: chr2-202552878-C-A. GRCh37 (hg19) VCF-style: chr2-203417601-C-A.
Other names: short protein forms Q526K.
Identifiers: ClinVar variation 3824815 (VCV003824815.1).

ClinVar aggregate classification (germline): Uncertain significance (1 of 4 stars; one submission).

Conditions:
Inborn genetic diseases. Identifiers: MedGen C0950123, MeSH D030342.

gnomAD v4.1: 4 of 1,614,008 alleles (0.00025%); highest among the groups gnomAD compares: Non-Finnish European, 0.00017%; no homozygotes.

Submission:

Ambry Genetics
Classification: Uncertain significance for Inborn genetic diseases. Last evaluated: 2025-01-06. Review status: criteria provided, single submitter. Criteria: Ambry Variant Classification Scheme 2023. Collection method: clinical testing. Allele origin: germline.
Comment: The p.Q526K variant (also known as c.1576C>A), located in coding exon 11 of the BMPR2 gene, results from a C to A substitution at nucleotide position 1576. The glutamine at codon 526 is replaced by lysine, an amino acid with similar properties. This amino acid position is conserved. In addition, the in silico prediction for this alteration is inconclusive. Based on the available evidence, the clinical significance of this variant remains unclear.